The following is an entry in ClinVar:

NM_000942.5(PPIB):c.249+1G>A

Gene: PPIB (peptidylprolyl isomerase B; minus strand). Cytogenetic location: 15q22.31.
Variant type: single nucleotide variant.
Coding change: c.249+1G>A on transcript NM_000942.5 (MANE Select); the canonical splice donor site of the intron after coding-DNA position 249, G replaced by A.
Molecular consequence: splice donor variant.
Genome position (GRCh38, 1-based): chr15:64,162,040, C>T on the plus strand (G>A on the coding strand, the complement: PPIB is on the minus strand). VCF-style: chr15-64162040-C-T. GRCh37 (hg19) VCF-style: chr15-64454239-C-T.
Identifiers: ClinVar variation 2835451 (VCV002835451.3), dbSNP rs878936700, ClinGen allele CA271414960.

ClinVar aggregate classification (germline): Likely pathogenic (1 of 4 stars; one submission).

Submission:

Labcorp Genetics (formerly Invitae), Labcorp
Classification: Likely pathogenic. Last evaluated: 2026-01-12. Review status: criteria provided, single submitter. Criteria: Invitae Variant Classification Sherloc (09022015). Collection method: clinical testing. Allele origin: germline.
Comment: This sequence change affects a donor splice site in intron 2 of the PPIB gene. It is expected to disrupt RNA splicing. Variants that disrupt the donor or acceptor splice site typically lead to a loss of protein function (PMID: 16199547), and loss-of-function variants in PPIB are known to be pathogenic (PMID: 19781681, 19997487, 24968150). This variant is not present in population databases (gnomAD no frequency). This variant has not been reported in the literature in individuals affected with PPIB-related conditions. ClinVar contains an entry for this variant (Variation ID: 2835451). Algorithms developed to predict the effect of sequence changes on RNA splicing suggest that this variant may disrupt the consensus splice site. In summary, the currently available evidence indicates that the variant is pathogenic, but additional data are needed to prove that conclusively. Therefore, this variant has been classified as Likely Pathogenic.

Literature cited by the submitters: PubMed 16199547; PubMed 19781681; PubMed 19997487; PubMed 24968150.